The following is an entry in ClinVar:

NM_003872.3(NRP2):c.1430G>A (p.Arg477Gln)

Gene: NRP2 (neuropilin 2; plus strand). Cytogenetic location: 2q33.3.
Variant type: single nucleotide variant.
Coding change: c.1430G>A on transcript NM_003872.3 (MANE Select); coding-DNA position 1430, G replaced by A.
Protein change: p.Arg477Gln; replaces arginine 477 with glutamine.
Molecular consequence: missense variant.
Genome position (GRCh38, 1-based): chr2:205,743,341, G>A. VCF-style: chr2-205743341-G-A. GRCh37 (hg19) VCF-style: chr2-206608065-G-A.
Other names: c.1430G>A, p.Arg477Gln (NM_018534.4, NM_201264.2, NM_201266.2 and 2 more transcripts); short protein forms R477Q.
Identifiers: ClinVar variation 4982644 (VCV004982644.1).

ClinVar aggregate classification (germline): Uncertain significance (1 of 4 stars; one submission).

Conditions:
NRP2-related disorder. Also called: NRP2-related condition.

gnomAD v4.1: 11 of 1,614,176 alleles (0.00068%); highest among the groups gnomAD compares: East Asian, 0.0089%; no homozygotes.

Submission:

PreventionGenetics, part of Exact Sciences
Classification: Uncertain significance for NRP2-related condition. Last evaluated: 2024-12-30. Review status: criteria provided, single submitter. Criteria: ACMG Guidelines, 2015. Collection method: clinical testing. Allele origin: germline.
Comment: The NRP2 c.1430G>A variant is predicted to result in the amino acid substitution p.Arg477Gln. To our knowledge, this variant has not been reported in the literature. This variant is reported in 0.0065% of alleles in individuals of South Asian descent in gnomAD. At this time, the clinical significance of this variant is uncertain due to the absence of conclusive functional and genetic evidence.